The following is an entry in ClinVar:

ClinVar aggregate classification (germline): Benign/Likely benign. Review status: criteria provided, multiple submitters, no conflicts (2 of 4 stars). 15 submissions from 15 submitters: Benign (1); Likely benign (12). 2 of the submissions do not count toward it. Last evaluated 2026-01-31.

Conditions:
RAD51D-related disorder. Also called: RAD51D-related condition.
Hereditary cancer-predisposing syndrome. Also called: Tumor predisposition; Neoplastic Syndromes, Hereditary; Hereditary Cancer Syndrome; Hereditary neoplastic syndrome. Identifiers: Orphanet 140162, MedGen C0027672, MeSH D009386, MONDO:0015356.
Breast-ovarian cancer, familial, susceptibility to, 4. Identifiers: Orphanet 145, MedGen C3280345, MONDO:0013669, OMIM 614291.

Allele frequency attached by ClinVar (database versions not stated): gnomAD 0.00001 and 0.00003; TOPMed 0.00002; gnomAD exomes 0.00004; ExAC 0.00005; ESP Exome Variant Server 0.00008; 1000 Genomes Project 30x 0.00047; 1000 Genomes Project 0.00060.
gnomAD v4.1: 62 of 1,614,114 alleles (0.0038%); highest among the groups gnomAD compares: Middle Eastern, 0.066%; no homozygotes.

Submissions (15):

Labcorp Genetics (formerly Invitae), Labcorp
Classification: Likely benign for Breast-ovarian cancer, familial, susceptibility to, 4. Last evaluated: 2026-01-31. Review status: criteria provided, single submitter. Criteria: Invitae Variant Classification Sherloc (09022015). Collection method: clinical testing. Allele origin: germline.

Quest Diagnostics Nichols Institute San Juan Capistrano
Classification: Likely benign. Last evaluated: 2025-07-11. Review status: criteria provided, single submitter. Criteria: Quest Diagnostics criteria. Collection method: clinical testing. Allele origin: unknown.

Myriad Genetics, Inc.
Classification: Benign for Breast-ovarian cancer, familial, susceptibility to, 4. Last evaluated: 2025-02-25. Review status: criteria provided, single submitter. Criteria: Myriad Autosomal Dominant, Autosomal Recessive and X-Linked Classification Criteria (2023). Collection method: clinical testing. Allele origin: unknown.
Comment: This variant is considered benign. This variant is a silent/synonymous amino acid change and it is not expected to impact splicing.

Molecular Diagnostics Laboratory, Catalan Institute of Oncology
Classification: Likely benign for Hereditary cancer-predisposing syndrome. Last evaluated: 2024-09-15. Review status: criteria provided, single submitter. Criteria: ACMG Guidelines, 2015. Collection method: clinical testing. Allele origin: germline.
Comment: BP4, BP7 c.900A>G, located in exon 9 of the RAD51D gene, is predicted to result in no splicing alteration (according to SpliceAI) and no amino acid change, p.(Arg300=) (BP4 and BP7). This variant is found in 10/268267 alleles at a frequency of 0.004% in the gnomAD v2.1.1 database, non-cancer dataset. To our knowledge, neither relevant clinical data nor well-established functional studies have been reported for this variant. This variant has been reported in the ClinVar database (10x likely benign), and in the LOVD database (1x uncertain significance). Based on currently available information, the variant c.900A>G should be considered a likely benign variant.

CeGaT Center for Human Genetics Tuebingen
Classification: Likely benign. Last evaluated: 2023-09-01. Review status: criteria provided, single submitter. Criteria: CeGaT Center For Human Genetics Tuebingen Variant Classification Criteria Version 2. Collection method: clinical testing. Allele origin: germline. Affected: yes. Observed: 1 variant allele.
Comment: RAD51D: BP4, BP7

Blueprint Genetics
Classification: Likely benign. Last evaluated: 2023-02-16. Review status: criteria provided, single submitter. Criteria: ACMG Guidelines, 2015. Collection method: clinical testing. Allele origin: germline.

Department of Pathology and Laboratory Medicine, Sinai Health System
Classification: Likely benign for Breast-ovarian cancer, familial, susceptibility to, 4. Last evaluated: 2021-06-07. Review status: criteria provided, single submitter. Criteria: ACMG Guidelines, 2015. Collection method: clinical testing. Allele origin: germline. Affected: yes.

Sema4
Classification: Likely benign for Hereditary cancer-predisposing syndrome. Last evaluated: 2021-03-16. Review status: criteria provided, single submitter. Criteria: Sema4 Curation Guidelines. Collection method: curation. Allele origin: germline.

Mendelics
Classification: Likely benign for Breast-ovarian cancer, familial, susceptibility to, 4. Last evaluated: 2019-05-28. Review status: criteria provided, single submitter. Criteria: Mendelics Assertion Criteria 2017. Collection method: clinical testing. Allele origin: unknown.

GeneDx
Classification: Likely benign. Last evaluated: 2019-04-10. Review status: criteria provided, single submitter. Criteria: GeneDx Variant Classification Process June 2021. Collection method: clinical testing. Allele origin: germline. Affected: yes.
Comment: This variant is associated with the following publications: (PMID: 21822267, 23372765)

Women's Health and Genetics/Laboratory Corporation of America, LabCorp
Classification: Likely benign. Last evaluated: 2019-03-28. Review status: criteria provided, single submitter. Criteria: LabCorp Variant Classification Summary - May 2015. Collection method: clinical testing. Allele origin: germline.
Comment: Variant summary: RAD51D c.900A>G alters a non-conserved nucleotide resulting in a synonymous change. 4/5 computational tools predict no significant impact on normal splicing. However, these predictions have yet to be confirmed by functional studies. The variant allele was found at a frequency of 4.4e-05 in 249236 control chromosomes (gnomAD and publications). This frequency is near the estimated maximal expected allele frequency of a pathogenic RAD51D variant (0.00013), suggesting this is likely a benign polymorphism. The variant was also reported in the FLOSSIES database in a woman older than age 70 years who has never had cancer. To our knowledge, no occurrence of c.900A>G in individuals affected with Hereditary Breast and Ovarian Cancer and no experimental evidence demonstrating its impact on protein function have been reported. Four ClinVar submissions from clinical diagnostic laboratories (evaluation after 2014) cite the variant as likely benign. Based on the evidence outlined above, the variant was classified as likely benign.

Color Diagnostics, LLC DBA Color Health
Classification: Likely benign for Hereditary cancer-predisposing syndrome. Last evaluated: 2016-11-12. Review status: criteria provided, single submitter. Criteria: ACMG Guidelines, 2015. Collection method: clinical testing. Allele origin: germline.

Ambry Genetics
Classification: Likely benign for Hereditary cancer-predisposing syndrome. Last evaluated: 2014-06-13. Review status: criteria provided, single submitter. Criteria: Ambry Variant Classification Scheme 2023. Collection method: clinical testing. Allele origin: germline.

PreventionGenetics, part of Exact Sciences
Classification: Likely benign for RAD51D-related condition. Last evaluated: 2019-05-24. Review status: no assertion criteria provided. Collection method: clinical testing. Allele origin: germline. Not counted in ClinVar's aggregate classification.
Comment: This variant is classified as likely benign based on ACMG/AMP sequence variant interpretation guidelines (Richards et al. 2015 PMID: 25741868, with internal and published modifications).

True Health Diagnostics
Classification: Likely benign for Hereditary cancer-predisposing syndrome. Last evaluated: 2018-02-05. Review status: no assertion criteria provided. Collection method: clinical testing. Allele origin: germline. Not counted in ClinVar's aggregate classification.

Literature cited by the submitters: PubMed 21822267 (cited by 3 submitters); PubMed 23372765 (cited by 3 submitters).

NM_002878.4(RAD51D):c.900A>G (p.Arg300=)

Genes: RAD51D (RAD51 paralog D; minus strand), RAD51L3-RFFL (RAD51L3-RFFL readthrough; minus strand). Cytogenetic location: 17q12.
Variant type: single nucleotide variant.
Coding change: c.900A>G on transcript NM_002878.4 (MANE Select); coding-DNA position 900, A replaced by G.
Protein change: p.Arg300=; no amino-acid change (arginine 300 retained).
Molecular consequence: synonymous variant. On other transcripts: non-coding transcript variant (3).
Genome position (GRCh38, 1-based): chr17:35,101,204, T>C on the plus strand (A>G on the coding strand, the complement: RAD51D is on the minus strand). VCF-style: chr17-35101204-T-C. GRCh37 (hg19) VCF-style: chr17-33428223-T-C.
Other names: c.960A>G, p.Arg320= (NM_001142571.2); c.564A>G, p.Arg188= (NM_133629.3).
Identifiers: ClinVar variation 185315 (VCV000185315.50), dbSNP rs370634278, ClinGen allele CA191610.
Genomic context (GRCh38, chr17:35,101,204, plus strand): 5'-TATGGAAACCACCCTCCAGGGCCCAAGATTACTGGCATCTTCCTGGGGCTGGCTCACCTG[T>C]CGGGAAGATTTGGCCAGACACGCCATGCGCCGGCCGCCTGATGCTCCTGCTCCCTCGATG-3'
Protein context (NP_002869.3, residues 290-310): RRMACLAKSS[Arg300=]QPTGFQEMVD